The following is an entry in ClinVar:

ClinVar aggregate classification (germline): Uncertain significance (1 of 4 stars; one submission).

Conditions:
2-aminoadipic 2-oxoadipic aciduria (AAKAD). Also called: Aminoadipic aciduria; ALPHA-AMINOADIPIC AND ALPHA-KETOADIPIC ACIDURIA. Identifiers: Orphanet 79154, MedGen C1859817, MONDO:0008774, OMIM 204750.

Submission:

Labcorp Genetics (formerly Invitae), Labcorp
Classification: Uncertain significance for 2-aminoadipic 2-oxoadipic aciduria. Last evaluated: 2024-10-19. Review status: criteria provided, single submitter. Criteria: Invitae Variant Classification Sherloc (09022015). Collection method: clinical testing. Allele origin: germline.
Comment: This sequence change replaces methionine, which is neutral and non-polar, with isoleucine, which is neutral and non-polar, at codon 560 of the DHTKD1 protein (p.Met560Ile). This variant is not present in population databases (gnomAD no frequency). This variant has not been reported in the literature in individuals affected with DHTKD1-related conditions. Invitae Evidence Modeling of protein sequence and biophysical properties (such as structural, functional, and spatial information, amino acid conservation, physicochemical variation, residue mobility, and thermodynamic stability) indicates that this missense variant is not expected to disrupt DHTKD1 protein function with a negative predictive value of 80%. In summary, the available evidence is currently insufficient to determine the role of this variant in disease. Therefore, it has been classified as a Variant of Uncertain Significance.

NM_018706.7(DHTKD1):c.1680G>A (p.Met560Ile)

Gene: DHTKD1 (dehydrogenase E1 and transketolase domain containing 1; plus strand). Cytogenetic location: 10p14.
Variant type: single nucleotide variant.
Coding change: c.1680G>A on transcript NM_018706.7 (MANE Select); coding-DNA position 1680, G replaced by A.
Protein change: p.Met560Ile; replaces methionine 560 with isoleucine.
Molecular consequence: missense variant.
Genome position (GRCh38, 1-based): chr10:12,100,186, G>A. VCF-style: chr10-12100186-G-A. GRCh37 (hg19) VCF-style: chr10-12142185-G-A.
Other names: short protein forms M560I.
Identifiers: ClinVar variation 3665979 (VCV003665979.2).